The following is an entry in ClinVar:

NM_138433.5(KLHDC7B):c.2583G>C (p.Leu861=)

Genes: KLHDC7B (kelch domain containing 7B; plus strand), KLHDC7B-DT (KLHDC7B divergent transcript; minus strand), LOC130067876 (ATAC-STARR-seq lymphoblastoid silent region 13995; plus strand). Cytogenetic location: 22q13.33.
Variant type: single nucleotide variant.
Coding change: c.2583G>C on transcript NM_138433.5 (MANE Select); coding-DNA position 2583, G replaced by C.
Protein change: p.Leu861=; no amino-acid change (leucine 861 retained).
Molecular consequence: synonymous variant.
Genome position (GRCh38, 1-based): chr22:50,548,826, G>C. VCF-style: chr22-50548826-G-C. GRCh37 (hg19) VCF-style: chr22-50987255-G-C.
Identifiers: ClinVar variation 4875444 (VCV004875444.2).

ClinVar aggregate classification (germline): Likely benign (1 of 4 stars; one submission).

Submission:

CeGaT Center for Human Genetics Tuebingen
Classification: Likely benign. Last evaluated: 2026-06-01. Review status: criteria provided, single submitter. Criteria: CeGaT Center For Human Genetics Tuebingen Variant Classification Criteria Version 2. Collection method: clinical testing. Allele origin: germline. Affected: yes. Observed: 1 variant allele.
Comment: KLHDC7B: PM2:Supporting, BP4, BP7